The following is an entry in ClinVar:

ClinVar aggregate classification (germline): Likely pathogenic (1 of 4 stars; one submission).

Conditions:
SMARCB1-related schwannomatosis. Also called: SWNTS1; Schwannomatosis 1. Identifiers: Orphanet 93921, MedGen C4048809, MONDO:0024517, OMIM 162091. Disease mechanism: loss of function.

Submission:

Institute of Human Genetics, University of Leipzig Medical Center
Classification: Likely pathogenic for SMARCB1-related schwannomatosis. Last evaluated: 2023-11-21. Review status: criteria provided, single submitter. Criteria: ACMG Guidelines, 2015. Collection method: clinical testing. Allele origin: unknown. Inheritance: Autosomal dominant inheritance. Affected: yes.
Comment: Criteria applied: PVS1,PM2_SUP

NM_003073.5(SMARCB1):c.10del (p.Met4fs)

Gene: SMARCB1 (SWI/SNF related BAF chromatin remodeling complex subunit B1; plus strand). Cytogenetic location: 22q11.23.
Variant type: Deletion.
Coding change: c.10del on transcript NM_003073.5 (MANE Select); coding-DNA position 10, one base deleted (A; older notation c.10delA).
Protein change: p.Met4fs; shifts the reading frame from methionine 4.
Molecular consequence: frameshift variant.
Genome position (GRCh38, 1-based): chr22:23,787,179, A deleted. VCF-style (leftmost placement, unchanged base first): chr22-23787178-GA-G. GRCh37 (hg19) VCF-style: chr22-24129365-GA-G.
Other names: c.10del, p.Met4fs (NM_001007468.3, NM_001317946.2, NM_001362877.2); short protein forms M4fs.
Identifiers: ClinVar variation 2664995 (VCV002664995.2), dbSNP rs2517652434, ClinGen allele CA2695200081.
Genomic context (GRCh38, chr22:23,787,178, plus strand): 5'-GCCCTCCTGATCCCTCGCAGCCCGGCTCCGGCCGCCCGCCTCTGCCGCCGCAATGATGAT[GA>G]TGGCGCTGAGCAAGACCTTCGGGCAGAAGCCCGTGAAGTTCCAGCTGGAGGACGACGGCG-3'